The following is an entry in ClinVar:

ClinVar aggregate classification (germline): Uncertain significance (1 of 4 stars; one submission).

Allele frequency attached by ClinVar (database versions not stated): ExAC 0.00001; gnomAD 0.00001; gnomAD exomes 0.00001.
gnomAD v4.1: 22 of 1,614,144 alleles (0.0014%); highest among the groups gnomAD compares: East Asian, 0.0022%; no homozygotes.

Submission:

Labcorp Genetics (formerly Invitae), Labcorp
Classification: Uncertain significance. Last evaluated: 2022-09-23. Review status: criteria provided, single submitter. Criteria: Invitae Variant Classification Sherloc (09022015). Collection method: clinical testing. Allele origin: germline.
Comment: In summary, the available evidence is currently insufficient to determine the role of this variant in disease. Therefore, it has been classified as a Variant of Uncertain Significance. Advanced modeling of protein sequence and biophysical properties (such as structural, functional, and spatial information, amino acid conservation, physicochemical variation, residue mobility, and thermodynamic stability) performed at Invitae indicates that this missense variant is not expected to disrupt ROM1 protein function. This variant has not been reported in the literature in individuals affected with ROM1-related conditions. This variant is present in population databases (rs772352310, gnomAD 0.0009%). This sequence change replaces glutamic acid, which is acidic and polar, with aspartic acid, which is acidic and polar, at codon 255 of the ROM1 protein (p.Glu255Asp).

NM_000327.4(ROM1):c.765G>C (p.Glu255Asp)

Gene: ROM1 (retinal outer segment membrane protein 1; plus strand). Cytogenetic location: 11q12.3.
Variant type: single nucleotide variant.
Coding change: c.765G>C on transcript NM_000327.4 (MANE Select); coding-DNA position 765, G replaced by C.
Protein change: p.Glu255Asp; replaces glutamic acid 255 with aspartic acid.
Molecular consequence: missense variant.
Genome position (GRCh38, 1-based): chr11:62,614,432, G>C. VCF-style: chr11-62614432-G-C. GRCh37 (hg19) VCF-style: chr11-62381904-G-C.
Other names: short protein forms E255D.
Identifiers: ClinVar variation 1975911 (VCV001975911.5), dbSNP rs772352310, ClinGen allele CA6049831.